The following is an entry in ClinVar:

NM_001134382.3(IQSEC1):c.788G>A (p.Arg263Gln)

Gene: IQSEC1 (IQ motif and Sec7 domain ArfGEF 1; minus strand). Cytogenetic location: 3p25.2.
Variant type: single nucleotide variant.
Coding change: c.788G>A on transcript NM_001134382.3 (MANE Select); coding-DNA position 788, G replaced by A.
Protein change: p.Arg263Gln; replaces arginine 263 with glutamine.
Molecular consequence: missense variant.
Genome position (GRCh38, 1-based): chr3:12,936,228, C>T on the plus strand (G>A on the coding strand, the complement: IQSEC1 is on the minus strand). VCF-style: chr3-12936228-C-T. GRCh37 (hg19) VCF-style: chr3-12977728-C-T.
Other names: c.464G>A, p.Arg155Gln (NM_001330619.3); c.1112G>A, p.Arg371Gln (NM_001376938.2); c.830G>A, p.Arg277Gln (NM_014869.8); short protein forms R263Q, R277Q, R155Q, R371Q.
Identifiers: ClinVar variation 1030436 (VCV001030436.1), dbSNP rs769383880, ClinGen allele CA2262432.

ClinVar aggregate classification (germline): Uncertain significance (1 of 4 stars; one submission).

Conditions:
Intellectual developmental disorder with short stature and behavioral abnormalities. Identifiers: MedGen C5231462, MONDO:0032870, OMIM 618687.

Allele frequency attached by ClinVar (database versions not stated): ExAC 0.00001; gnomAD 0.00001; TOPMed 0.00001 and 0.00002.

Submission:

Baylor Genetics
Classification: Uncertain significance for Intellectual developmental disorder with short stature and behavioral abnormalities. Last evaluated: 2020-05-05. Review status: criteria provided, single submitter. Criteria: ACMG Guidelines, 2015. Collection method: clinical testing. Allele origin: unknown. Affected: yes.
Comment: This variant was determined to be of uncertain significance according to ACMG Guidelines, 2015 [PMID:25741868].